The following is an entry in ClinVar:

ClinVar aggregate classification (germline): Uncertain significance (1 of 4 stars; one submission).

Allele frequency attached by ClinVar (database versions not stated): ESP Exome Variant Server 0.00024; 1000 Genomes Project 0.00040; 1000 Genomes Project 30x 0.00047.
gnomAD v4.1: 64 of 1,614,028 alleles (0.004%); highest among the groups gnomAD compares: African/African-American, 0.057%; no homozygotes.

Submission:

Labcorp Genetics (formerly Invitae), Labcorp
Classification: Uncertain significance. Last evaluated: 2024-02-24. Review status: criteria provided, single submitter. Criteria: Invitae Variant Classification Sherloc (09022015). Collection method: clinical testing. Allele origin: germline.
Comment: This sequence change replaces arginine, which is basic and polar, with leucine, which is neutral and non-polar, at codon 3924 of the FAT1 protein (p.Arg3924Leu). This variant is present in population databases (rs375087606, gnomAD 0.07%). This variant has not been reported in the literature in individuals affected with FAT1-related conditions. ClinVar contains an entry for this variant (Variation ID: 2073494). An algorithm developed to predict the effect of missense changes on protein structure and function (PolyPhen-2) suggests that this variant¬†is likely to be tolerated. In summary, the available evidence is currently insufficient to determine the role of this variant in disease. Therefore, it has been classified as a Variant of Uncertain Significance.

NM_005245.4(FAT1):c.11771G>T (p.Arg3924Leu)

Gene: FAT1 (FAT atypical cadherin 1; minus strand). Cytogenetic location: 4q35.2.
Variant type: single nucleotide variant.
Coding change: c.11771G>T on transcript NM_005245.4 (MANE Select); coding-DNA position 11771, G replaced by T.
Protein change: p.Arg3924Leu; replaces arginine 3924 with leucine.
Molecular consequence: missense variant.
Genome position (GRCh38, 1-based): chr4:186,600,230, C>A on the plus strand (G>T on the coding strand, the complement: FAT1 is on the minus strand). VCF-style: chr4-186600230-C-A. GRCh37 (hg19) VCF-style: chr4-187521384-C-A.
Other names: short protein forms R3924L.
Identifiers: ClinVar variation 2073494 (VCV002073494.3), dbSNP rs375087606, ClinGen allele CA3165019.
Genomic context (GRCh38, chr4:186,600,230, plus strand): 5'-AGGGTTTTCAGAGTCCCTGGGGCTGTGCCCGATGCAGTATGAACTTGGTCTAGAACCAAG[C>A]GAGCATAGTTTCCATTCACTTCCAGGGCCACTGCGTGCCACTGCCCATCATTGACCTGAA-3'
Protein context (NP_005236.2, residues 3914-3934): VALEVNGNYA[Arg3924Leu]LVLDQVHTAS